The following is an entry in ClinVar:

NM_000203.5(IDUA):c.1492del (p.Ala498fs)

Gene: IDUA (alpha-L-iduronidase; plus strand). Cytogenetic location: 4p16.3.
Variant type: Deletion.
Coding change: c.1492del on transcript NM_000203.5 (MANE Select); coding-DNA position 1492, one base deleted (G; older notation c.1492delG).
Protein change: p.Ala498fs; shifts the reading frame from alanine 498.
Molecular consequence: frameshift variant. On other transcripts: non-coding transcript variant (1).
Genome position (GRCh38, 1-based): chr4:1,003,125, G deleted; the last of 2 consecutive G bases (chr4:1,003,124-1,003,125); deleting either gives the same sequence. VCF-style (leftmost placement, unchanged base first): chr4-1003123-CG-C. GRCh37 (hg19) VCF-style: chr4-996911-CG-C.
Other names: c.1096del, p.Ala366fs (NM_001363576.1); short protein forms A366fs, A498fs.
Identifiers: ClinVar variation 4747391 (VCV004747391.1).

ClinVar aggregate classification (germline): Pathogenic (1 of 4 stars; one submission).

Conditions:
Mucopolysaccharidosis type 1. Also called: IDUA deficiency; MPS I; Mucopolysaccharidosis Type I. Identifiers: Orphanet 579, MedGen C0023786, MONDO:0001586.

Submission:

Labcorp Genetics (formerly Invitae), Labcorp
Classification: Pathogenic for Mucopolysaccharidosis type 1. Last evaluated: 2025-12-23. Review status: criteria provided, single submitter. Criteria: Invitae Variant Classification Sherloc (09022015). Collection method: clinical testing. Allele origin: germline.
Comment: This sequence change creates a premature translational stop signal (p.Ala498Glnfs*27) in the IDUA gene. It is expected to result in an absent or disrupted protein product. Loss-of-function variants in IDUA are known to be pathogenic (PMID: 11735025, 21480867). This variant is not present in population databases (gnomAD no frequency). This premature translational stop signal has been observed in individual(s) with mucopolysaccharidosis type I (PMID: 28604952, 34813777). This variant is also known as c.1491delG. For these reasons, this variant has been classified as Pathogenic.

Literature cited by the submitters: PubMed 11735025; PubMed 21480867; PubMed 28604952; PubMed 34813777.